The following is an entry in ClinVar:

NM_003128.3(SPTBN1):c.5730A>C (p.Thr1910=)

Gene: SPTBN1 (spectrin beta, non-erythrocytic 1; plus strand). Cytogenetic location: 2p16.2.
Variant type: single nucleotide variant.
Coding change: c.5730A>C on transcript NM_003128.3 (MANE Select); coding-DNA position 5730, A replaced by C.
Protein change: p.Thr1910=; no amino-acid change (threonine 1910 retained).
Molecular consequence: synonymous variant.
Genome position (GRCh38, 1-based): chr2:54,653,761, A>C. VCF-style: chr2-54653761-A-C. GRCh37 (hg19) VCF-style: chr2-54880898-A-C.
Other names: c.5691A>C, p.Thr1897= (NM_178313.3).
Identifiers: ClinVar variation 5038498 (VCV005038498.1).

ClinVar aggregate classification (germline): Likely benign (1 of 4 stars; one submission).

gnomAD v4.1: 20 of 1,614,072 alleles (0.0012%); highest among the groups gnomAD compares: Non-Finnish European, 0.0016%; no homozygotes.

Submission:

CeGaT Center for Human Genetics Tuebingen
Classification: Likely benign. Last evaluated: 2026-08-01. Review status: criteria provided, single submitter. Criteria: CeGaT Center For Human Genetics Tuebingen Variant Classification Criteria Version 2. Collection method: clinical testing. Allele origin: germline. Affected: yes. Observed: 1 variant allele.
Comment: SPTBN1: BP4, BP7